The following is an entry in ClinVar:

ClinVar aggregate classification (germline): Uncertain significance. Review status: criteria provided, multiple submitters, no conflicts (2 of 4 stars). 2 submissions from 2 submitters: Uncertain significance (2). Last evaluated 2021-10-29.

Conditions:
Cardiovascular phenotype. Identifiers: MedGen CN230736.
Progressive familial heart block type IB (PFHB1B). Identifiers: Orphanet 871, MedGen C1970298, MONDO:0011474, OMIM 604559.

Allele frequency attached by ClinVar (database versions not stated): gnomAD exomes 0.00001; gnomAD 0.00003; ExAC 0.00006.

Submissions (2):

Ambry Genetics
Classification: Uncertain significance for Cardiovascular phenotype. Last evaluated: 2021-10-29. Review status: criteria provided, single submitter. Criteria: Ambry Variant Classification Scheme 2023. Collection method: clinical testing. Allele origin: germline.
Comment: The p.C759G variant (also known as c.2275T>G), located in coding exon 17 of the TRPM4 gene, results from a T to G substitution at nucleotide position 2275. The cysteine at codon 759 is replaced by glycine, an amino acid with highly dissimilar properties. This amino acid position is conserved. In addition, this alteration is predicted to be tolerated by in silico analysis. Since supporting evidence is limited at this time, the clinical significance of this alteration remains unclear.

Illumina Laboratory Services, Illumina
Classification: Uncertain significance for Progressive familial heart block type IB. Last evaluated: 2018-01-13. Review status: criteria provided, single submitter. Criteria: ICSL Variant Classification Criteria 13 December 2019. Collection method: clinical testing. Allele origin: germline.

NM_017636.4(TRPM4):c.2275T>G (p.Cys759Gly)

Gene: TRPM4 (transient receptor potential cation channel subfamily M member 4; plus strand). Cytogenetic location: 19q13.33.
Variant type: single nucleotide variant.
Coding change: c.2275T>G on transcript NM_017636.4 (MANE Select); coding-DNA position 2275, T replaced by G.
Protein change: p.Cys759Gly; replaces cysteine 759 with glycine.
Molecular consequence: missense variant. On other transcripts: intron variant (1).
Genome position (GRCh38, 1-based): chr19:49,196,504, T>G. VCF-style: chr19-49196504-T-G. GRCh37 (hg19) VCF-style: chr19-49699761-T-G.
Other names: c.1930T>G, p.Cys644Gly (NM_001321281.2); c.667T>G, p.Cys223Gly (NM_001321282.2); c.1753T>G, p.Cys585Gly (NM_001321283.2); c.1213T>G, p.Cys405Gly (NM_001321285.2); c.2211-3796T>G (NM_001195227.2); short protein forms C223G, C644G, C405G, C585G, C759G.
Identifiers: ClinVar variation 893741 (VCV000893741.6), dbSNP rs757164235, ClinGen allele CA9569519.